The following is an entry in ClinVar:

ClinVar aggregate classification (germline): Uncertain significance. Review status: criteria provided, multiple submitters, no conflicts (2 of 4 stars). 2 submissions from 2 submitters: Uncertain significance (2). Last evaluated 2024-08-12.

Conditions:
Spinocerebellar ataxia type 28 (SCA28). Also called: Spinocerebellar Ataxia Type 28 (SCA28). Identifiers: Orphanet 101109, MedGen C1853249, MONDO:0012450, OMIM 610246.

Allele frequency attached by ClinVar (database versions not stated): gnomAD exomes below 0.00001; TOPMed below 0.00001; gnomAD 0.00001.
gnomAD v4.1: 3 of 1,614,052 alleles (0.00019%); highest among the groups gnomAD compares: Non-Finnish European, 0.00025%; no homozygotes.

Submissions (2):

Labcorp Genetics (formerly Invitae), Labcorp
Classification: Uncertain significance. Last evaluated: 2024-08-12. Review status: criteria provided, single submitter. Criteria: Invitae Variant Classification Sherloc (09022015). Collection method: clinical testing. Allele origin: germline.
Comment: This sequence change replaces glutamic acid, which is acidic and polar, with aspartic acid, which is acidic and polar, at codon 782 of the AFG3L2 protein (p.Glu782Asp). This variant is not present in population databases (gnomAD no frequency). This variant has not been reported in the literature in individuals affected with AFG3L2-related conditions. ClinVar contains an entry for this variant (Variation ID: 326102). Advanced modeling of protein sequence and biophysical properties (such as structural, functional, and spatial information, amino acid conservation, physicochemical variation, residue mobility, and thermodynamic stability) performed at Invitae indicates that this missense variant is not expected to disrupt AFG3L2 protein function with a negative predictive value of 95%. In summary, the available evidence is currently insufficient to determine the role of this variant in disease. Therefore, it has been classified as a Variant of Uncertain Significance.

Illumina Laboratory Services, Illumina
Classification: Uncertain significance for Spinocerebellar ataxia type 28. Last evaluated: 2018-01-13. Review status: criteria provided, single submitter. Criteria: ICSL Variant Classification Criteria 13 December 2019. Collection method: clinical testing. Allele origin: germline.

NM_006796.3(AFG3L2):c.2346G>T (p.Glu782Asp)

Genes: AFG3L2 (AFG3 like matrix AAA peptidase subunit 2; minus strand), TUBB6 (tubulin beta 6 class V; plus strand). Cytogenetic location: 18p11.21.
Variant type: single nucleotide variant.
Coding change: c.2346G>T on transcript NM_006796.3 (MANE Select); coding-DNA position 2346, G replaced by T.
Protein change: p.Glu782Asp; replaces glutamic acid 782 with aspartic acid.
Molecular consequence: missense variant. On other transcripts: 3 prime UTR variant (1).
Genome position (GRCh38, 1-based): chr18:12,329,613, C>A on the plus strand (G>T on the coding strand, the complement: AFG3L2 is on the minus strand). VCF-style: chr18-12329613-C-A. GRCh37 (hg19) VCF-style: chr18-12329612-C-A.
Other names: c.*430C>A (NM_001303525.2); short protein forms E782D.
Identifiers: ClinVar variation 326102 (VCV000326102.9), dbSNP rs886053614, ClinGen allele CA10651363.